The following is an entry in ClinVar:

ClinVar aggregate classification (germline): Pathogenic (1 of 4 stars; one submission).

Conditions:
Lynch syndrome 5 (LYNCH5). Also called: Colorectal cancer, hereditary nonpolyposis, type 5; Hereditary non-polyposis colorectal cancer, type 5. Identifiers: Orphanet 144, MedGen C1833477, MONDO:0013710, OMIM 614350. Disease mechanism: loss of function.

gnomAD v4.1: 1 of 1,614,152 alleles (0.000062%); highest among the groups gnomAD compares: East Asian, 0.0022%; no homozygotes.

Submission:

Myriad Genetics, Inc.
Classification: Pathogenic for Lynch syndrome 5. Last evaluated: 2025-11-26. Review status: criteria provided, single submitter. Criteria: Myriad Autosomal Dominant, Autosomal Recessive and X-Linked Classification Criteria (2023). Collection method: clinical testing. Allele origin: unknown.
Comment: This variant is considered pathogenic. This variant creates a termination codon and is predicted to result in premature protein truncation.

NM_000179.3(MSH6):c.574G>T (p.Glu192Ter)

Gene: MSH6 (mutS homolog 6; plus strand). Cytogenetic location: 2p16.3.
Variant type: single nucleotide variant.
Coding change: c.574G>T on transcript NM_000179.3 (MANE Select); coding-DNA position 574, G replaced by T.
Protein change: p.Glu192Ter; replaces glutamic acid 192 with a stop codon.
Molecular consequence: nonsense. On other transcripts: 5 prime UTR variant (2), non-coding transcript variant (5), intron variant (8).
Genome position (GRCh38, 1-based): chr2:47,796,010, G>T. VCF-style: chr2-47796010-G-T. GRCh37 (hg19) VCF-style: chr2-48023149-G-T.
Other names: c.-329G>T (NM_001281494.2); c.670G>T, p.Glu224Ter (NM_001406795.1, NM_001406802.1); c.574G>T, p.Glu192Ter (NM_001406796.1, NM_001406798.1, NM_001406800.1 and 5 more transcripts); c.277G>T, p.Glu93Ter (NM_001406797.1, NM_001406801.1, NM_001406805.1 and 10 more transcripts); c.49G>T, p.Glu17Ter (NM_001406799.1, NM_001406806.1, NM_001406807.1); c.496G>T, p.Glu166Ter (NM_001406804.1); c.580G>T, p.Glu194Ter (NM_001406813.1); c.-421G>T (NM_001406814.1); and 3 more; short protein forms E136*, E166*, E17*, E192*, E194*, E224*, E93*.
Identifiers: ClinVar variation 4813014 (VCV004813014.1).